The following is an entry in ClinVar:

ClinVar aggregate classification (germline): Uncertain significance (1 of 4 stars; one submission).

Allele frequency attached by ClinVar (database versions not stated): gnomAD exomes below 0.00001; gnomAD 0.00001; TOPMed 0.00001.
gnomAD v4.1: 3 of 1,613,764 alleles (0.00019%); highest among the groups gnomAD compares: Non-Finnish European, 0.00025%; no homozygotes.

Submission:

GeneDx
Classification: Uncertain significance. Last evaluated: 2017-03-02. Review status: criteria provided, single submitter. Criteria: GeneDx Variant Classification (06012015). Collection method: clinical testing. Allele origin: germline. Affected: yes.
Comment: The I5683L variant has not been published as a pathogenic variant, nor has it been reported as a benign variant to our knowledge. The I5683L variant is not observed in large population cohorts (Lek et al., 2016; 1000 Genomes Consortium et al., 2015; Exome Variant Server). This variant is a conservative amino acid substitution, which is not likely to impact secondary protein structure as these residues share similar properties. However, this substitution occurs at a position that is conserved across species, and in silico analysis is inconsistent in its predictions as to whether or not the variant is damaging to the protein structure/function.

NM_182961.4(SYNE1):c.17260A>T (p.Ile5754Leu)

Gene: SYNE1 (spectrin repeat containing nuclear envelope protein 1; minus strand). Cytogenetic location: 6q25.2.
Variant type: single nucleotide variant.
Coding change: c.17260A>T on transcript NM_182961.4 (MANE Select); coding-DNA position 17260, A replaced by T.
Protein change: p.Ile5754Leu; replaces isoleucine 5754 with leucine.
Molecular consequence: missense variant.
Genome position (GRCh38, 1-based): chr6:152,308,575, T>A on the plus strand (A>T on the coding strand, the complement: SYNE1 is on the minus strand). VCF-style: chr6-152308575-T-A. GRCh37 (hg19) VCF-style: chr6-152629710-T-A.
Other names: c.17047A>T, p.Ile5683Leu (NM_033071.5); short protein forms I5683L, I5754L.
Identifiers: ClinVar variation 424078 (VCV000424078.2), dbSNP rs1044270413, ClinGen allele CA16618257.